The following is an entry in ClinVar:

NM_001447.3(FAT2):c.5240A>G (p.Asp1747Gly)

Genes: FAT2 (FAT atypical cadherin 2; minus strand), SLC36A1 (solute carrier family 36 member 1; plus strand). Cytogenetic location: 5q33.1.
Variant type: single nucleotide variant.
Coding change: c.5240A>G on transcript NM_001447.3 (MANE Select); coding-DNA position 5240, A replaced by G.
Protein change: p.Asp1747Gly; replaces aspartic acid 1747 with glycine.
Molecular consequence: missense variant.
Genome position (GRCh38, 1-based): chr5:151,545,887, T>C on the plus strand (A>G on the coding strand, the complement: FAT2 is on the minus strand). VCF-style: chr5-151545887-T-C. GRCh37 (hg19) VCF-style: chr5-150925448-T-C.
Other names: short protein forms D1747G.
Identifiers: ClinVar variation 1924402 (VCV001924402.7), dbSNP rs757834219, ClinGen allele CA3521320.

ClinVar aggregate classification (germline): Uncertain significance. Review status: criteria provided, multiple submitters, no conflicts (2 of 4 stars). 2 submissions from 2 submitters: Uncertain significance (2). Last evaluated 2025-06-12.

Allele frequency attached by ClinVar (database versions not stated): TOPMed 0.00001; ExAC 0.00003; gnomAD 0.00003; gnomAD exomes 0.00003.
gnomAD v4.1: 49 of 1,614,098 alleles (0.003%); highest among the groups gnomAD compares: Non-Finnish European, 0.0042%; no homozygotes.

Submissions (2):

Labcorp Genetics (formerly Invitae), Labcorp
Classification: Uncertain significance. Last evaluated: 2025-06-12. Review status: criteria provided, single submitter. Criteria: Invitae Variant Classification Sherloc (09022015). Collection method: clinical testing. Allele origin: germline.
Comment: This sequence change replaces aspartic acid, which is acidic and polar, with glycine, which is neutral and non-polar, at codon 1747 of the FAT2 protein (p.Asp1747Gly). This variant is present in population databases (rs757834219, gnomAD 0.005%). This variant has not been reported in the literature in individuals affected with FAT2-related conditions. ClinVar contains an entry for this variant (Variation ID: 1924402). An algorithm developed to predict the effect of missense changes on protein structure and function (PolyPhen-2) suggests that this variant is likely to be tolerated. In summary, the available evidence is currently insufficient to determine the role of this variant in disease. Therefore, it has been classified as a Variant of Uncertain Significance.

Ambry Genetics
Classification: Uncertain significance. Last evaluated: 2024-11-14. Review status: criteria provided, single submitter. Criteria: Ambry Variant Classification Scheme 2023. Collection method: clinical testing. Allele origin: germline.